The following is an entry in ClinVar:

ClinVar aggregate classification (germline): Uncertain significance (1 of 4 stars; one submission).

Conditions:
CHD1L-related disorder. Also called: CHD1L-related condition.

Submission:

PreventionGenetics, part of Exact Sciences
Classification: Uncertain significance for CHD1L-related condition. Last evaluated: 2024-12-27. Review status: criteria provided, single submitter. Criteria: ACMG Guidelines, 2015. Collection method: clinical testing. Allele origin: germline.
Comment: The CHD1L c.244_245delAT variant is predicted to result in a frameshift and premature protein termination (p.Ile82Cysfs*12). To our knowledge, this variant has not been reported in the literature or in a large population database (gnomAD), indicating this variant is rare. Loss of function is not an established mechanism of CHD1L-related disease. At this time, the clinical significance of this variant is uncertain due to the absence of conclusive functional and genetic evidence.

NM_004284.6(CHD1L):c.244_245del (p.Ile82fs)

Gene: CHD1L (chromodomain helicase DNA binding protein 1 like; plus strand). Cytogenetic location: 1q21.1.
Variant type: Deletion.
Coding change: c.244_245del on transcript NM_004284.6 (MANE Select); coding-DNA positions 244 to 245, 2 bases deleted (AT; older notation c.244_245delAT).
Protein change: p.Ile82fs; shifts the reading frame from isoleucine 82.
Molecular consequence: frameshift variant. On other transcripts: 5 prime UTR variant (9), non-coding transcript variant (11), intron variant (9).
Genome position (GRCh38, 1-based): chr1:147,254,873-147,254,874, AT deleted; deleting any 2 consecutive bases within chr1:147,254,872-147,254,874 gives the same sequence; the c. name uses the placement nearest the transcript's 3' end. VCF-style (leftmost placement, unchanged base first): chr1-147254871-CTA-C. GRCh37 (hg19) VCF-style: chr1-146726526-CTA-C.
Other names: c.28_29del, p.Ile10fs (NM_001348451.2, NM_001348452.2); c.-96_-95del (NM_001348453.2); c.-214_-213del (NM_001348455.2); c.-593_-592del (NM_001348457.2, NM_001348462.2); c.-511_-510del (NM_001348458.2); c.-437_-436del (NM_001348460.2, NM_001348461.2); c.-518_-517del (NM_001348464.2, NM_001348465.2); c.-71-25_-71-24del (NM_024568.4); and 8 more; short protein forms I10fs, I82fs.
Identifiers: ClinVar variation 4997243 (VCV004997243.1).